The following is an entry in ClinVar:

NM_006922.4(SCN3A):c.694+5G>A

Gene: SCN3A (sodium voltage-gated channel alpha subunit 3; minus strand). Cytogenetic location: 2q24.3.
Variant type: single nucleotide variant.
Coding change: c.694+5G>A on transcript NM_006922.4 (MANE Select); 5 bases into the intron after coding-DNA position 694, G replaced by A.
Molecular consequence: intron variant.
Genome position (GRCh38, 1-based): chr2:165,163,613, C>T on the plus strand (G>A on the coding strand, the complement: SCN3A is on the minus strand). VCF-style: chr2-165163613-C-T. GRCh37 (hg19) VCF-style: chr2-166020123-C-T.
Other names: c.694+5G>A (NM_001081676.2); c.694+189G>A (NM_001081677.2).
Identifiers: ClinVar variation 3642468 (VCV003642468.2).

ClinVar aggregate classification (germline): Uncertain significance (1 of 4 stars; one submission).

Submission:

Labcorp Genetics (formerly Invitae), Labcorp
Classification: Uncertain significance. Last evaluated: 2024-02-22. Review status: criteria provided, single submitter. Criteria: Invitae Variant Classification Sherloc (09022015). Collection method: clinical testing. Allele origin: germline.
Comment: This sequence change falls in intron 7 of the SCN3A gene. It does not directly change the encoded amino acid sequence of the SCN3A protein. It affects a nucleotide within the consensus splice site. This variant is not present in population databases (gnomAD no frequency). This variant has not been reported in the literature in individuals affected with SCN3A-related conditions. Variants that disrupt the consensus splice site are a relatively common cause of aberrant splicing (PMID: 17576681, 9536098). Algorithms developed to predict the effect of sequence changes on RNA splicing suggest that this variant may disrupt the consensus splice site. In summary, the available evidence is currently insufficient to determine the role of this variant in disease. Therefore, it has been classified as a Variant of Uncertain Significance.

Literature cited by the submitters: PubMed 17576681; PubMed 9536098.